The following is an entry in ClinVar:

NM_001142966.3(GREB1L):c.4079A>G (p.Asn1360Ser)

Gene: GREB1L (GREB1 like retinoic acid receptor coactivator; plus strand). Cytogenetic location: 18q11.2.
Variant type: single nucleotide variant.
Coding change: c.4079A>G on transcript NM_001142966.3 (MANE Select); coding-DNA position 4079, A replaced by G.
Protein change: p.Asn1360Ser; replaces asparagine 1360 with serine.
Molecular consequence: missense variant.
Genome position (GRCh38, 1-based): chr18:21,505,418, A>G. VCF-style: chr18-21505418-A-G. GRCh37 (hg19) VCF-style: chr18-19085379-A-G.
Other names: c.4208A>G, p.Asn1403Ser (NM_001410867.1); c.3752A>G, p.Asn1251Ser (NM_001410868.1); short protein forms N1251S, N1360S, N1403S.
Identifiers: ClinVar variation 4977279 (VCV004977279.1).

ClinVar aggregate classification (germline): Uncertain significance (1 of 4 stars; one submission).

Conditions:
GREB1L-related disorder. Also called: GREB1L-related condition.

gnomAD v4.1: 19 of 1,550,890 alleles (0.0012%); highest among the groups gnomAD compares: East Asian, 0.0098%; no homozygotes.

Submission:

PreventionGenetics, part of Exact Sciences
Classification: Uncertain significance for GREB1L-related condition. Last evaluated: 2026-06-10. Review status: criteria provided, single submitter. Criteria: ACMG Guidelines, 2015. Collection method: clinical testing. Allele origin: germline.
Comment: The GREB1L c.4079A>G variant is predicted to result in the amino acid substitution p.Asn1360Ser. To our knowledge, this variant has not been reported in the literature. This variant is reported in 0.0041% of alleles in individuals of Latino descent in gnomAD. At this time, the clinical significance of this variant is uncertain due to the absence of conclusive functional and genetic evidence.